The following is an entry in ClinVar:

NM_020708.5(SLC12A5):c.2537G>A (p.Arg846Gln)

Gene: SLC12A5 (solute carrier family 12 member 5; plus strand). Cytogenetic location: 20q13.12.
Variant type: single nucleotide variant.
Coding change: c.2537G>A on transcript NM_020708.5 (MANE Select); coding-DNA position 2537, G replaced by A.
Protein change: p.Arg846Gln; replaces arginine 846 with glutamine.
Molecular consequence: missense variant.
Genome position (GRCh38, 1-based): chr20:46,053,116, G>A. VCF-style: chr20-46053116-G-A. GRCh37 (hg19) VCF-style: chr20-44681755-G-A.
Other names: c.2606G>A, p.Arg869Gln (NM_001134771.2); short protein forms R846Q, R869Q.
Identifiers: ClinVar variation 2198853 (VCV002198853.8), dbSNP rs750945346, ClinGen allele CA9887628.

ClinVar aggregate classification (germline): Uncertain significance. Review status: criteria provided, multiple submitters, no conflicts (2 of 4 stars). 2 submissions from 2 submitters: Uncertain significance (2). Last evaluated 2022-11-07.

Conditions:
Developmental and epileptic encephalopathy, 34 (DEE34). Also called: Early infantile epileptic encephalopathy 34; SLC12A5-Related Epilepsy of Infancy with Migrating Focal Seizures. Identifiers: Orphanet 293181, MedGen C4225257, MONDO:0014718, OMIM 616645.

Allele frequency attached by ClinVar (database versions not stated): TOPMed below 0.00001; ExAC 0.00001; gnomAD exomes 0.00001.

Submissions (2):

Greenwood Genetic Center Diagnostic Laboratories, Greenwood Genetic Center
Classification: Uncertain significance. Last evaluated: 2022-11-07. Review status: criteria provided, single submitter. Criteria: ACMG Guidelines, 2015. Collection method: clinical testing. Allele origin: germline. Affected: yes.
Comment: PM2, PP2

Labcorp Genetics (formerly Invitae), Labcorp
Classification: Uncertain significance for Developmental and epileptic encephalopathy, 34. Last evaluated: 2022-05-29. Review status: criteria provided, single submitter. Criteria: Invitae Variant Classification Sherloc (09022015). Collection method: clinical testing. Allele origin: germline.
Comment: In summary, the available evidence is currently insufficient to determine the role of this variant in disease. Therefore, it has been classified as a Variant of Uncertain Significance. Advanced modeling of protein sequence and biophysical properties (such as structural, functional, and spatial information, amino acid conservation, physicochemical variation, residue mobility, and thermodynamic stability) performed at Invitae indicates that this missense variant is not expected to disrupt SLC12A5 protein function. This variant has not been reported in the literature in individuals affected with SLC12A5-related conditions. This variant is present in population databases (rs750945346, gnomAD 0.002%). This sequence change replaces arginine, which is basic and polar, with glutamine, which is neutral and polar, at codon 846 of the SLC12A5 protein (p.Arg846Gln).